The following is an entry in ClinVar:

ClinVar aggregate classification (germline): Uncertain significance. Review status: criteria provided, multiple submitters, no conflicts (2 of 4 stars). 2 submissions from 2 submitters: Uncertain significance (2). Last evaluated 2021-11-07.

Conditions:
Microcephaly, normal intelligence and immunodeficiency (NBS). Also called: Nijmegen breakage syndrome; Microcephaly with normal intelligence immunodeficiency and lymphoreticular malignancies; Nonsyndromal microcephaly autosomal recessive with normal intelligence; Seemanova syndrome 2; Immunodeficiency, microcephaly with normal intelligence; Ataxia telangiectasia variant V1. Identifiers: Orphanet 647, MedGen C0398791, MONDO:0009623, OMIM 251260.
Hereditary cancer-predisposing syndrome. Also called: Hereditary Cancer Syndrome; Neoplastic Syndromes, Hereditary; Hereditary neoplastic syndrome; Tumor predisposition. Identifiers: Orphanet 140162, MedGen C0027672, MeSH D009386, MONDO:0015356.

Submissions (2):

Genome-Nilou Lab
Classification: Uncertain significance for Microcephaly, normal intelligence and immunodeficiency. Last evaluated: 2021-11-07. Review status: criteria provided, single submitter. Criteria: ACMG Guidelines, 2015. Collection method: clinical testing. Allele origin: germline. Affected: no.

Ambry Genetics
Classification: Uncertain significance for Hereditary cancer-predisposing syndrome. Last evaluated: 2019-07-24. Review status: criteria provided, single submitter. Criteria: Ambry Variant Classification Scheme 2023. Collection method: clinical testing. Allele origin: germline.
Comment: The p.G311V variant (also known as c.932G>T), located in coding exon 8 of the NBN gene, results from a G to T substitution at nucleotide position 932. The glycine at codon 311 is replaced by valine, an amino acid with dissimilar properties. This amino acid position is highly conserved in available vertebrate species. In addition, this alteration is predicted to be deleterious by in silico analysis. Since supporting evidence is limited at this time, the clinical significance of this alteration remains unclear.

NM_002485.5(NBN):c.932G>T (p.Gly311Val)

Gene: NBN (nibrin; minus strand). Cytogenetic location: 8q21.3.
Variant type: single nucleotide variant.
Coding change: c.932G>T on transcript NM_002485.5 (MANE Select); coding-DNA position 932, G replaced by T.
Protein change: p.Gly311Val; replaces glycine 311 with valine.
Molecular consequence: missense variant.
Genome position (GRCh38, 1-based): chr8:89,964,472, C>A on the plus strand (G>T on the coding strand, the complement: NBN is on the minus strand). VCF-style: chr8-89964472-C-A. GRCh37 (hg19) VCF-style: chr8-90976700-C-A.
Other names: c.686G>T, p.Gly229Val (NM_001024688.3); short protein forms G229V, G311V.
Identifiers: ClinVar variation 823171 (VCV000823171.10), dbSNP rs1563548856, ClinGen allele CA371657034.